The following is an entry in ClinVar:

ClinVar aggregate classification (germline): Uncertain significance (1 of 4 stars; one submission).

Conditions:
Hereditary cancer-predisposing syndrome. Also called: Tumor predisposition; Hereditary neoplastic syndrome; Neoplastic Syndromes, Hereditary; Hereditary Cancer Syndrome. Identifiers: Orphanet 140162, MedGen C0027672, MeSH D009386, MONDO:0015356.

Submission:

Ambry Genetics
Classification: Uncertain significance for Hereditary cancer-predisposing syndrome. Last evaluated: 2025-05-31. Review status: criteria provided, single submitter. Criteria: Ambry Variant Classification Scheme 2023. Collection method: clinical testing. Allele origin: germline.
Comment: The p.H635Y variant (also known as c.1903C>T), located in coding exon 6 of the AXIN2 gene, results from a C to T substitution at nucleotide position 1903. The histidine at codon 635 is replaced by tyrosine, an amino acid with similar properties. This amino acid position is conserved. In addition, this alteration is predicted to be tolerated by in silico analysis. Based on the available evidence, the clinical significance of this variant remains unclear.

NM_004655.4(AXIN2):c.1903C>T (p.His635Tyr)

Gene: AXIN2 (axin 2; minus strand). Cytogenetic location: 17q24.1.
Variant type: single nucleotide variant.
Coding change: c.1903C>T on transcript NM_004655.4 (MANE Select); coding-DNA position 1903, C replaced by T.
Protein change: p.His635Tyr; replaces histidine 635 with tyrosine.
Molecular consequence: missense variant. On other transcripts: intron variant (1).
Genome position (GRCh38, 1-based): chr17:65,536,873, G>A on the plus strand (C>T on the coding strand, the complement: AXIN2 is on the minus strand). VCF-style: chr17-65536873-G-A. GRCh37 (hg19) VCF-style: chr17-63532991-G-A.
Other names: c.1713-320C>T (NM_001363813.1); short protein forms H635Y.
Identifiers: ClinVar variation 3981216 (VCV003981216.1).